The following is an entry in ClinVar:

NM_003244.4(TGIF1):c.177C>A (p.Tyr59Ter)

Gene: TGIF1 (TGFB induced factor homeobox 1; plus strand). Cytogenetic location: 18p11.31.
Variant type: single nucleotide variant.
Coding change: c.177C>A on transcript NM_003244.4 (MANE Select); coding-DNA position 177, C replaced by A.
Protein change: p.Tyr59Ter; replaces tyrosine 59 with a stop codon.
Molecular consequence: nonsense.
Genome position (GRCh38, 1-based): chr18:3,456,514, C>A. VCF-style: chr18-3456514-C-A. GRCh37 (hg19) VCF-style: chr18-3456512-C-A.
Other names: c.186C>A, p.Tyr62Ter (NM_001278682.2); c.177C>A, p.Tyr59Ter (NM_001278684.2, NM_173208.3); c.117C>A, p.Tyr39Ter (NM_001278686.3, NM_001374396.1, NM_001374397.1 and 5 more transcripts); c.219C>A, p.Tyr73Ter (NM_173207.4); short protein forms Y39*, Y59*, Y62*, Y73*.
Identifiers: ClinVar variation 3378040 (VCV003378040.2).

ClinVar aggregate classification (germline): Likely pathogenic (1 of 4 stars; one submission).

Submission:

GeneDx
Classification: Likely pathogenic. Last evaluated: 2026-08-08. Review status: criteria provided, single submitter. Criteria: GeneDx Variant Classification Process June 2021. Collection method: clinical testing. Allele origin: germline.
Comment: Reported in the published literature in a patient with a neurological abnormality referred for whole exome sequencing and in a patient with high myopia referred for whole genome sequencing (PMID: 33258288, 37250922); Nonsense variant predicted to result in protein truncation or nonsense mediated decay in a gene for which loss of function is a known mechanism of disease; Not observed at significant frequency in large population cohorts (gnomAD); This variant is associated with the following publications: (PMID: 37250922, 33258288)